The following is an entry in ClinVar:

NM_000521.4(HEXB):c.878G>C (p.Gly293Ala)

Gene: HEXB (hexosaminidase subunit beta; plus strand). Cytogenetic location: 5q13.3.
Variant type: single nucleotide variant.
Coding change: c.878G>C on transcript NM_000521.4 (MANE Select); coding-DNA position 878, G replaced by C.
Protein change: p.Gly293Ala; replaces glycine 293 with alanine.
Molecular consequence: missense variant.
Genome position (GRCh38, 1-based): chr5:74,713,612, G>C. VCF-style: chr5-74713612-G-C. GRCh37 (hg19) VCF-style: chr5-74009437-G-C.
Other names: c.203G>C, p.Gly68Ala (NM_001292004.2); short protein forms G68A, G293A.
Identifiers: ClinVar variation 965027 (VCV000965027.7), dbSNP rs1255790136, ClinGen allele CA360067179.

ClinVar aggregate classification (germline): Uncertain significance. Review status: criteria provided, multiple submitters, no conflicts (2 of 4 stars). 2 submissions from 2 submitters: Uncertain significance (2). Last evaluated 2025-01-19.

Conditions:
Sandhoff disease. Also called: GM2-GANGLIOSIDOSIS, TYPE II; HEXOSAMINIDASES A AND B DEFICIENCY; Beta-hexosaminidase-beta-subunit deficiency; GM2 gangliosidosis, type 2; Total hexosaminidase deficiency; Sandhoff-Jatzkewitz-Pilz disease. Identifiers: Orphanet 796, MedGen C0036161, MONDO:0010006, OMIM 268800.
Inborn genetic diseases. Identifiers: MedGen C0950123, MeSH D030342.

Allele frequency attached by ClinVar (database versions not stated): gnomAD exomes below 0.00001; TOPMed below 0.00001; gnomAD 0.00001.
gnomAD v4.1: 6 of 1,613,082 alleles (0.00037%); highest among the groups gnomAD compares: Non-Finnish European, 0.00051%; no homozygotes.

Submissions (2):

Ambry Genetics
Classification: Uncertain significance for Inborn genetic diseases. Last evaluated: 2025-01-19. Review status: criteria provided, single submitter. Criteria: Ambry Variant Classification Scheme 2023. Collection method: clinical testing. Allele origin: germline.

Labcorp Genetics (formerly Invitae), Labcorp
Classification: Uncertain significance for Sandhoff disease. Last evaluated: 2021-08-31. Review status: criteria provided, single submitter. Criteria: Invitae Variant Classification Sherloc (09022015). Collection method: clinical testing. Allele origin: germline.
Comment: This sequence change replaces glycine with alanine at codon 293 of the HEXB protein (p.Gly293Ala). The glycine residue is highly conserved and there is a small physicochemical difference between glycine and alanine. This variant is not present in population databases (ExAC no frequency). This variant has not been reported in the literature in individuals affected with HEXB-related conditions. Algorithms developed to predict the effect of missense changes on protein structure and function are either unavailable or do not agree on the potential impact of this missense change (SIFT: "Tolerated"; PolyPhen-2: "Probably Damaging"; Align-GVGD: "Class C0"). In summary, the available evidence is currently insufficient to determine the role of this variant in disease. Therefore, it has been classified as a Variant of Uncertain Significance.